The following is an entry in ClinVar:

NM_000045.4(ARG1):c.560A>G (p.His187Arg)

Genes: ARG1 (arginase 1; plus strand), MED23 (mediator complex subunit 23; minus strand). Cytogenetic location: 6q23.2.
Variant type: single nucleotide variant.
Coding change: c.560A>G on transcript NM_000045.4 (MANE Select); coding-DNA position 560, A replaced by G.
Protein change: p.His187Arg; replaces histidine 187 with arginine.
Molecular consequence: missense variant. On other transcripts: non-coding transcript variant (1), intron variant (3).
Genome position (GRCh38, 1-based): chr6:131,582,715, A>G. VCF-style: chr6-131582715-A-G. GRCh37 (hg19) VCF-style: chr6-131903855-A-G.
Other names: c.584A>G, p.His195Arg (NM_001244438.2); c.306-345A>G (NM_001369020.1); c.4077+4994T>C (NM_001270521.2); c.4095+4994T>C (NM_015979.4); short protein forms H187R, H195R.
Identifiers: ClinVar variation 1390450 (VCV001390450.5), dbSNP rs2114546062, ClinGen allele CA365651534.
Genomic context (GRCh38, chr6:131,582,715, plus strand): 5'-CCTGTATATCTGCCAAGGATATTGTGTATATTGGCTTGAGAGACGTGGACCCTGGGGAAC[A>G]GTAAGCTTATTCCTTGATGTGATTTGCCTCCATTTTTGTCCCTTTGTGTGCTAGATATGC-3'
Protein context (NP_000036.2, residues 177-197): IGLRDVDPGE[His187Arg]YILKTLGIKY

ClinVar aggregate classification (germline): Uncertain significance (1 of 4 stars; one submission).

Conditions:
Arginase deficiency. Also called: ARGININEMIA; ARG1 DEFICIENCY; Arginase 1 Deficiency. Identifiers: Orphanet 90, MedGen C0268548, MONDO:0008814, OMIM 207800.

Submission:

Labcorp Genetics (formerly Invitae), Labcorp
Classification: Uncertain significance for Arginase deficiency. Last evaluated: 2022-12-06. Review status: criteria provided, single submitter. Criteria: Invitae Variant Classification Sherloc (09022015). Collection method: clinical testing. Allele origin: germline.
Comment: In summary, the available evidence is currently insufficient to determine the role of this variant in disease. Therefore, it has been classified as a Variant of Uncertain Significance. Algorithms developed to predict the effect of sequence changes on RNA splicing suggest that this variant may create or strengthen a splice site. Algorithms developed to predict the effect of missense changes on protein structure and function (SIFT, PolyPhen-2, Align-GVGD) all suggest that this variant is likely to be tolerated. ClinVar contains an entry for this variant (Variation ID: 1390450). This variant has not been reported in the literature in individuals affected with ARG1-related conditions. This variant is not present in population databases (gnomAD no frequency). This sequence change replaces histidine, which is basic and polar, with arginine, which is basic and polar, at codon 187 of the ARG1 protein (p.His187Arg).